The following is an entry in ClinVar:

NM_001006658.3(CR2):c.1104A>T (p.Arg368=)

Genes: CR2 (complement C3d receptor 2; plus strand), LOC126805994 (BRD4-independent group 4 enhancer GRCh37_chr1:207642622-207643821; plus strand). Cytogenetic location: 1q32.2.
Variant type: single nucleotide variant.
Coding change: c.1104A>T on transcript NM_001006658.3 (MANE Select); coding-DNA position 1104, A replaced by T.
Protein change: p.Arg368=; no amino-acid change (arginine 368 retained).
Molecular consequence: synonymous variant.
Genome position (GRCh38, 1-based): chr1:207,469,981, A>T. VCF-style: chr1-207469981-A-T. GRCh37 (hg19) VCF-style: chr1-207643326-A-T.
Other names: c.1104A>T, p.Arg368= (NM_001877.5).
Identifiers: ClinVar variation 760682 (VCV000760682.31), dbSNP rs1572954261, ClinGen allele CA423138737.
Genomic context (GRCh38, chr1:207,469,981, plus strand): 5'-GGTTCAGTGTCCACATCCCCAGATCCTAAGAGGCCGAATGGTATCTGGGCAGAAAGATCG[A>T]TATACCTATAACGACACTGTGATATTTGCTTGCATGTTTGGCTTCACCTTGAAGGGCAGC-3'
Protein context (NP_001006659.1, residues 358-378): RGRMVSGQKD[Arg368=]YTYNDTVIFA

ClinVar aggregate classification (germline): Likely benign. Review status: criteria provided, multiple submitters, no conflicts (2 of 4 stars). 3 submissions from 3 submitters: Likely benign (3). Last evaluated 2023-05-01.

Conditions:
Immunodeficiency, common variable, 7. Identifiers: Orphanet 1572, Orphanet 696894, MedGen C3542922, MONDO:0013862, OMIM 614699.

Allele frequency attached by ClinVar (database versions not stated): gnomAD exomes below 0.00001; TOPMed below 0.00001.
gnomAD v4.1: 2 of 1,613,998 alleles (0.00012%); highest among the groups gnomAD compares: South Asian, 0.0011%; no homozygotes.

Submissions (3):

CeGaT Center for Human Genetics Tuebingen
Classification: Likely benign. Last evaluated: 2023-05-01. Review status: criteria provided, single submitter. Criteria: CeGaT Center For Human Genetics Tuebingen Variant Classification Criteria Version 2. Collection method: clinical testing. Allele origin: germline. Affected: yes. Observed: 1 variant allele.
Comment: CR2: PM2:Supporting, BP4, BP7

Genome-Nilou Lab
Classification: Likely benign for Immunodeficiency, common variable, 7. Last evaluated: 2023-04-11. Review status: criteria provided, single submitter. Criteria: ACMG Guidelines, 2015. Collection method: clinical testing. Allele origin: germline. Affected: no.

Labcorp Genetics (formerly Invitae), Labcorp
Classification: Likely benign for Immunodeficiency, common variable, 7. Last evaluated: 2018-05-02. Review status: criteria provided, single submitter. Criteria: Invitae Variant Classification Sherloc (09022015). Collection method: clinical testing. Allele origin: germline.